The following is an entry in ClinVar:

NM_018191.4(RCBTB1):c.1045G>A (p.Glu349Lys)

Gene: RCBTB1 (RCC1 and BTB domain containing protein 1; minus strand). Cytogenetic location: 13q14.2.
Variant type: single nucleotide variant.
Coding change: c.1045G>A on transcript NM_018191.4 (MANE Select); coding-DNA position 1045, G replaced by A.
Protein change: p.Glu349Lys; replaces glutamic acid 349 with lysine.
Molecular consequence: missense variant. On other transcripts: non-coding transcript variant (2).
Genome position (GRCh38, 1-based): chr13:49,549,458, C>T on the plus strand (G>A on the coding strand, the complement: RCBTB1 is on the minus strand). VCF-style: chr13-49549458-C-T. GRCh37 (hg19) VCF-style: chr13-50123594-C-T.
Other names: c.1045G>A, p.Glu349Lys (NM_001352500.2, NM_001352501.2, NM_001352502.2 and 2 more transcripts); c.1045G>A, p.Val349Met (NM_001352505.2); c.466G>A, p.Glu156Lys (NM_001352506.2); short protein forms E349K, E156K, V349M.
Identifiers: ClinVar variation 1467181 (VCV001467181.6), dbSNP rs1481490141, ClinGen allele CA388189188.
Genomic context (GRCh38, chr13:49,549,458, plus strand): 5'-AAAACTGGTCAGTTGGTAGTACCATTCTTCCTGGGTGGAGGTGGCCCTGCACTTTCTTAC[C>T]CACAGACAGGAGGCGCCACGAGACGGCGGGAGTGGCAAAGCAGGCAAACACGTCGTCGGT-3'
Protein context (NP_060661.3, residues 339-359): PAVSWRLLSV[Glu349Lys]HEDFLTVAES

ClinVar aggregate classification (germline): Uncertain significance (1 of 4 stars; one submission).

Allele frequency attached by ClinVar (database versions not stated): TOPMed 0.00002.

Submission:

Labcorp Genetics (formerly Invitae), Labcorp
Classification: Uncertain significance. Last evaluated: 2021-11-02. Review status: criteria provided, single submitter. Criteria: Invitae Variant Classification Sherloc (09022015). Collection method: clinical testing. Allele origin: germline.
Comment: This sequence change replaces glutamic acid, which is acidic and polar, with lysine, which is basic and polar, at codon 349 of the RCBTB1 protein (p.Glu349Lys). This variant also falls at the last nucleotide of exon 9, which is part of the consensus splice site for this exon. This variant is not present in population databases (gnomAD no frequency). This variant has not been reported in the literature in individuals affected with RCBTB1-related conditions. Algorithms developed to predict the effect of missense changes on protein structure and function are either unavailable or do not agree on the potential impact of this missense change (SIFT: "Deleterious"; PolyPhen-2: "Benign"; Align-GVGD: "Class C0"). Variants that disrupt the consensus splice site are a relatively common cause of aberrant splicing (PMID: 17576681, 9536098). Algorithms developed to predict the effect of sequence changes on RNA splicing suggest that this variant may disrupt the consensus splice site. In summary, the available evidence is currently insufficient to determine the role of this variant in disease. Therefore, it has been classified as a Variant of Uncertain Significance.

Literature cited by the submitters: PubMed 17576681; PubMed 9536098.